The following is an entry in ClinVar:

ClinVar aggregate classification (germline): Likely benign (1 of 4 stars; one submission).

Submission:

CeGaT Center for Human Genetics Tuebingen
Classification: Likely benign. Last evaluated: 2026-01-01. Review status: criteria provided, single submitter. Criteria: CeGaT Center For Human Genetics Tuebingen Variant Classification Criteria Version 2. Collection method: clinical testing. Allele origin: germline. Affected: yes. Observed: 1 variant allele.
Comment: KRTAP5-3: BP4, BP7

NM_001012708.2(KRTAP5-3):c.582T>C (p.Cys194=)

Gene: KRTAP5-3 (keratin associated protein 5-3; minus strand). Cytogenetic location: 11p15.5.
Variant type: single nucleotide variant.
Coding change: c.582T>C on transcript NM_001012708.2 (MANE Select); coding-DNA position 582, T replaced by C.
Protein change: p.Cys194=; no amino-acid change (cysteine 194 retained).
Molecular consequence: synonymous variant.
Genome position (GRCh38, 1-based): chr11:1,607,804, A>G on the plus strand (T>C on the coding strand, the complement: KRTAP5-3 is on the minus strand). VCF-style: chr11-1607804-A-G. GRCh37 (hg19) VCF-style: chr11-1629034-A-G.
Identifiers: ClinVar variation 4821621 (VCV004821621.4).